The following is an entry in ClinVar:

NM_004446.3(EPRS1):c.2513G>A (p.Arg838His)

Gene: EPRS1 (glutamyl-prolyl-tRNA synthetase 1; minus strand). Cytogenetic location: 1q41.
Variant type: single nucleotide variant.
Coding change: c.2513G>A on transcript NM_004446.3 (MANE Select); coding-DNA position 2513, G replaced by A.
Protein change: p.Arg838His; replaces arginine 838 with histidine.
Molecular consequence: missense variant.
Genome position (GRCh38, 1-based): chr1:219,997,011, C>T on the plus strand (G>A on the coding strand, the complement: EPRS1 is on the minus strand). VCF-style: chr1-219997011-C-T. GRCh37 (hg19) VCF-style: chr1-220170353-C-T.
Other names: short protein forms R838H.
Identifiers: ClinVar variation 800786 (VCV000800786.7), dbSNP rs542576870, ClinGen allele CA1399982.

ClinVar aggregate classification (germline): Uncertain significance. Review status: criteria provided, multiple submitters, no conflicts (2 of 4 stars). 4 submissions from 4 submitters: Uncertain significance (3). 1 of the submissions does not count toward it. Last evaluated 2024-12-02.

Conditions:
Inborn genetic diseases. Identifiers: MedGen C0950123, MeSH D030342.
Leukodystrophy, hypomyelinating, 15. Identifiers: MedGen C4693733, MONDO:0054782, OMIM 617951.

Allele frequency attached by ClinVar (database versions not stated): gnomAD 0.00004 and 0.00007; TOPMed 0.00006; 1000 Genomes Project 30x 0.00016; 1000 Genomes Project 0.00020.
gnomAD v4.1: 162 of 1,605,804 alleles (0.01%); highest among the groups gnomAD compares: South Asian, 0.07%; 1 homozygote.

Submissions (4):

Labcorp Genetics (formerly Invitae), Labcorp
Classification: Uncertain significance. Last evaluated: 2024-12-02. Review status: criteria provided, single submitter. Criteria: Invitae Variant Classification Sherloc (09022015). Collection method: clinical testing. Allele origin: germline.
Comment: This sequence change replaces arginine, which is basic and polar, with histidine, which is basic and polar, at codon 838 of the EPRS protein (p.Arg838His). This variant is present in population databases (rs542576870, gnomAD 0.09%). This variant has not been reported in the literature in individuals affected with EPRS-related conditions. ClinVar contains an entry for this variant (Variation ID: 800786). An algorithm developed to predict the effect of missense changes on protein structure and function (PolyPhen-2) suggests that this variant is likely to be disruptive. In summary, the available evidence is currently insufficient to determine the role of this variant in disease. Therefore, it has been classified as a Variant of Uncertain Significance.

Blueprint Genetics
Classification: Uncertain significance. Last evaluated: 2024-07-12. Review status: criteria provided, single submitter. Criteria: ACMG Guidelines, 2015. Collection method: clinical testing. Allele origin: germline.

Ambry Genetics
Classification: Uncertain significance for Inborn genetic diseases. Last evaluated: 2022-01-15. Review status: criteria provided, single submitter. Criteria: Ambry Variant Classification Scheme 2023. Collection method: clinical testing. Allele origin: germline.

Biochemical Molecular Genetic Laboratory, King Abdulaziz Medical City
Classification: Uncertain significance for Leukodystrophy, hypomyelinating, 15. Last evaluated: 2019-01-29. Review status: no assertion criteria provided. Collection method: clinical testing. Allele origin: germline. Affected: yes. Not counted in ClinVar's aggregate classification.